The following is an entry in ClinVar:

NM_000551.4(VHL):c.340+7G>T

Gene: VHL (von Hippel-Lindau tumor suppressor; plus strand). Cytogenetic location: 3p25.3.
Variant type: single nucleotide variant.
Coding change: c.340+7G>T on transcript NM_000551.4 (MANE Select); 7 bases into the intron after coding-DNA position 340, G replaced by T.
Molecular consequence: intron variant.
Genome position (GRCh38, 1-based): chr3:10,142,194, G>T. VCF-style: chr3-10142194-G-T. GRCh37 (hg19) VCF-style: chr3-10183878-G-T.
Other names: p.?; c.340+7G>T (NM_001354723.2, NM_198156.3, NM_000551.3).
Identifiers: ClinVar variation 4071402 (VCV004071402.2).
Genomic context (GRCh38, chr3:10,142,194, plus strand): 5'-AGCCCTACCCAACGCTGCCGCCTGGCACGGGCCGCCGCATCCACAGCTACCGAGGTACGG[G>T]CCCGGCGCTTAGGCCCGACCCAGCAGGGACGATAGCACGGTCTGAAGCCCCTCTACCGCC-3'

ClinVar aggregate classification (germline): Likely benign. Review status: criteria provided, multiple submitters, no conflicts (2 of 4 stars). 2 submissions from 2 submitters: Likely benign (2). Last evaluated 2025-07-02.

Conditions:
Von Hippel-Lindau syndrome (VHLS). Also called: Von Hippel-Lindau; von Hippel–Lindau syndrome; VHL syndrome. Identifiers: Orphanet 892, MedGen C0019562, MONDO:0008667, OMIM 193300. Disease mechanism: loss of function.

gnomAD v4.1: 1 of 1,596,778 alleles (0.000063%); highest among the groups gnomAD compares: East Asian, 0.0022%; no homozygotes.

Submissions (2):

Mayo Clinic Laboratories, Mayo Clinic
Classification: Likely benign. Last evaluated: 2025-07-02. Review status: criteria provided, single submitter. Criteria: ACMG Guidelines, 2015. Collection method: clinical testing. Allele origin: germline. Observed: 1 variant allele.
Comment: BP4, BP7, PM2_supporting

Myriad Genetics, Inc.
Classification: Likely benign for Von Hippel-Lindau syndrome. Last evaluated: 2025-06-11. Review status: criteria provided, single submitter. Criteria: Myriad Autosomal Dominant, Autosomal Recessive and X-Linked Classification Criteria (2023). Collection method: clinical testing. Allele origin: unknown.
Comment: This variant is considered likely benign. This variant is intronic and is not expected to impact mRNA splicing.